The following is an entry in ClinVar:

NM_138459.5(NUS1):c.71C>T (p.Ser24Phe)

Gene: NUS1 (NUS1 dehydrodolichyl diphosphate synthase subunit; plus strand). Cytogenetic location: 6q22.1.
Variant type: single nucleotide variant.
Coding change: c.71C>T on transcript NM_138459.5 (MANE Select); coding-DNA position 71, C replaced by T.
Protein change: p.Ser24Phe; replaces serine 24 with phenylalanine.
Molecular consequence: missense variant.
Genome position (GRCh38, 1-based): chr6:117,675,741, C>T. VCF-style: chr6-117675741-C-T. GRCh37 (hg19) VCF-style: chr6-117996904-C-T.
Other names: short protein forms S24F.
Identifiers: ClinVar variation 3692865 (VCV003692865.2).

ClinVar aggregate classification (germline): Uncertain significance (1 of 4 stars; one submission).

Conditions:
Congenital disorder of glycosylation, type Iaa. Also called: Congenital disorder of glycosylation, type 1aa. Identifiers: MedGen C4310727, MONDO:0014904, OMIM 617082.

Submission:

Labcorp Genetics (formerly Invitae), Labcorp
Classification: Uncertain significance for Congenital disorder of glycosylation, type Iaa. Last evaluated: 2024-11-28. Review status: criteria provided, single submitter. Criteria: Invitae Variant Classification Sherloc (09022015). Collection method: clinical testing. Allele origin: germline.
Comment: This sequence change replaces serine, which is neutral and polar, with phenylalanine, which is neutral and non-polar, at codon 24 of the NUS1 protein (p.Ser24Phe). This variant is not present in population databases (gnomAD no frequency). This variant has not been reported in the literature in individuals affected with NUS1-related conditions. An algorithm developed to predict the effect of missense changes on protein structure and function (PolyPhen-2) suggests that this variant is likely to be tolerated. In summary, the available evidence is currently insufficient to determine the role of this variant in disease. Therefore, it has been classified as a Variant of Uncertain Significance.